The following is an entry in ClinVar:

ClinVar aggregate classification (germline): Likely benign (0 of 4 stars; one submission).

Conditions:
PEX7-related disorder. Also called: PEX7-related disorders; PEX7-related condition. Identifiers: MedGen CN239409.

Allele frequency attached by ClinVar (database versions not stated): TOPMed below 0.00001.
gnomAD v4.1: 2 of 1,525,286 alleles (0.00013%); highest among the groups gnomAD compares: Non-Finnish European, 0.00018%; no homozygotes.

Submission:

PreventionGenetics, part of Exact Sciences
Classification: Likely benign for PEX7-related condition. Last evaluated: 2019-07-22. Review status: no assertion criteria provided. Collection method: clinical testing. Allele origin: germline.
Comment: This variant is classified as likely benign based on ACMG/AMP sequence variant interpretation guidelines (Richards et al. 2015 PMID: 25741868, with internal and published modifications).

NM_000288.4(PEX7):c.-10G>T

Gene: PEX7 (peroxisomal biogenesis factor 7; plus strand). Cytogenetic location: 6q23.3.
Variant type: single nucleotide variant.
Coding change: c.-10G>T on transcript NM_000288.4 (MANE Select); 10 bases upstream of the start codon, G replaced by T.
Molecular consequence: 5 prime UTR variant.
Genome position (GRCh38, 1-based): chr6:136,822,656, G>T. VCF-style: chr6-136822656-G-T. GRCh37 (hg19) VCF-style: chr6-137143794-G-T.
Identifiers: ClinVar variation 3043098 (VCV003043098.2), dbSNP rs931920949, ClinGen allele CA148640669.